The following is an entry in ClinVar:

ClinVar aggregate classification (germline): Likely benign (1 of 4 stars; one submission).

gnomAD v4.1: 13 of 1,614,140 alleles (0.00081%); highest among the groups gnomAD compares: Middle Eastern, 0.017%; no homozygotes.

Submission:

CeGaT Center for Human Genetics Tuebingen
Classification: Likely benign. Last evaluated: 2025-07-01. Review status: criteria provided, single submitter. Criteria: CeGaT Center For Human Genetics Tuebingen Variant Classification Criteria Version 2. Collection method: clinical testing. Allele origin: germline. Affected: yes. Observed: 1 variant allele.
Comment: SYNE2: BP4, BP7

NM_182914.3(SYNE2):c.15675A>G (p.Ala5225=)

Gene: SYNE2 (spectrin repeat containing nuclear envelope protein 2; plus strand). Cytogenetic location: 14q23.2.
Variant type: single nucleotide variant.
Coding change: c.15675A>G on transcript NM_182914.3 (MANE Select); coding-DNA position 15675, A replaced by G.
Protein change: p.Ala5225=; no amino-acid change (alanine 5225 retained).
Molecular consequence: synonymous variant.
Genome position (GRCh38, 1-based): chr14:64,152,599, A>G. VCF-style: chr14-64152599-A-G. GRCh37 (hg19) VCF-style: chr14-64619317-A-G.
Other names: c.15675A>G, p.Ala5225= (NM_015180.6).
Identifiers: ClinVar variation 4083765 (VCV004083765.8).